The following is an entry in ClinVar:

ClinVar aggregate classification (germline): Uncertain significance (1 of 4 stars; one submission).

Submission:

Labcorp Genetics (formerly Invitae), Labcorp
Classification: Uncertain significance. Last evaluated: 2025-08-18. Review status: criteria provided, single submitter. Criteria: Invitae Variant Classification Sherloc (09022015). Collection method: clinical testing. Allele origin: germline.
Comment: This sequence change falls in intron 10 of the CACNA1F gene. It does not directly change the encoded amino acid sequence of the CACNA1F protein. It affects a nucleotide within the consensus splice site. This variant is not present in population databases (gnomAD no frequency). This variant has not been reported in the literature in individuals affected with CACNA1F-related conditions. Variants that disrupt the consensus splice site are a relatively common cause of aberrant splicing (PMID: 17576681, 9536098). Algorithms developed to predict the effect of sequence changes on RNA splicing suggest that this variant may disrupt the consensus splice site. In summary, the available evidence is currently insufficient to determine the role of this variant in disease. Therefore, it has been classified as a Variant of Uncertain Significance.

Literature cited by the submitters: PubMed 17576681; PubMed 9536098.

NM_001256789.3(CACNA1F):c.1369+3G>T

Gene: CACNA1F (calcium voltage-gated channel subunit alpha1 F; minus strand). Cytogenetic location: Xp11.23.
Variant type: single nucleotide variant.
Coding change: c.1369+3G>T on transcript NM_001256789.3 (MANE Select); 3 bases into the intron after coding-DNA position 1369, G replaced by T.
Molecular consequence: intron variant.
Genome position (GRCh38, 1-based): chrX:49,226,607, C>A on the plus strand (G>T on the coding strand, the complement: CACNA1F is on the minus strand). VCF-style: chrX-49226607-C-A. GRCh37 (hg19) VCF-style: chrX-49083069-C-A.
Other names: c.1402+3G>T (NM_005183.4); c.1207+3G>T (NM_001256790.3).
Identifiers: ClinVar variation 4700713 (VCV004700713.1).